The following is an entry in ClinVar:

NM_000321.3(RB1):c.389A>C (p.Lys130Thr)

Gene: RB1 (RB transcriptional corepressor 1; plus strand). Cytogenetic location: 13q14.2.
Variant type: single nucleotide variant.
Coding change: c.389A>C on transcript NM_000321.3 (MANE Select); coding-DNA position 389, A replaced by C.
Protein change: p.Lys130Thr; replaces lysine 130 with threonine.
Molecular consequence: missense variant.
Genome position (GRCh38, 1-based): chr13:48,345,088, A>C. VCF-style: chr13-48345088-A-C. GRCh37 (hg19) VCF-style: chr13-48919224-A-C.
Other names: short protein forms K130T.
Identifiers: ClinVar variation 646052 (VCV000646052.14), dbSNP rs1593435682, ClinGen allele CA388252610.

ClinVar aggregate classification (germline): Uncertain significance. Review status: criteria provided, multiple submitters, no conflicts (2 of 4 stars). 3 submissions from 3 submitters: Uncertain significance (3). Last evaluated 2025-11-24.

Conditions:
Retinoblastoma (RB1). Also called: RETINOBLASTOMA, SOMATIC. Identifiers: Orphanet 790, MedGen C0035335, MeSH D012175, MONDO:0008380, OMIM 180200, HP:0009919. Disease mechanism: loss of function. Inheritance: Both sporadic and heritable forms are tested..
Hereditary cancer-predisposing syndrome. Also called: Hereditary Cancer Syndrome; Tumor predisposition; Hereditary neoplastic syndrome; Neoplastic Syndromes, Hereditary. Identifiers: Orphanet 140162, MedGen C0027672, MeSH D009386, MONDO:0015356.

Allele frequency attached by ClinVar (database versions not stated): gnomAD exomes 0.00002.

Submissions (3):

Labcorp Genetics (formerly Invitae), Labcorp
Classification: Uncertain significance for Retinoblastoma. Last evaluated: 2025-11-24. Review status: criteria provided, single submitter. Criteria: Invitae Variant Classification Sherloc (09022015). Collection method: clinical testing. Allele origin: germline.
Comment: This sequence change replaces lysine, which is basic and polar, with threonine, which is neutral and polar, at codon 130 of the RB1 protein (p.Lys130Thr). This variant is not present in population databases (gnomAD no frequency). This variant has not been reported in the literature in individuals affected with RB1-related conditions. ClinVar contains an entry for this variant (Variation ID: 646052). Invitae Evidence Modeling of protein sequence and biophysical properties (such as structural, functional, and spatial information, amino acid conservation, physicochemical variation, residue mobility, and thermodynamic stability) indicates that this missense variant is not expected to disrupt RB1 protein function with a negative predictive value of 80%. In summary, the available evidence is currently insufficient to determine the role of this variant in disease. Therefore, it has been classified as a Variant of Uncertain Significance.

Color Diagnostics, LLC DBA Color Health
Classification: Uncertain significance for Retinoblastoma. Last evaluated: 2025-08-17. Review status: criteria provided, single submitter. Criteria: ACMG Guidelines, 2015. Collection method: clinical testing. Allele origin: germline.
Comment: This missense variant replaces lysine with threonine at codon 130 of the RB1 protein. Computational prediction suggests that this variant may not impact protein structure and function. To our knowledge, functional studies have not been reported for this variant. This variant has not been reported in individuals affected with RB1-related disorders in the literature. This variant has not been identified in the general population by the Genome Aggregation Database (gnomAD). The available evidence is insufficient to determine the role of this variant in disease conclusively. Therefore, this variant is classified as a Variant of Uncertain Significance.

Ambry Genetics
Classification: Uncertain significance for Hereditary cancer-predisposing syndrome. Last evaluated: 2025-04-30. Review status: criteria provided, single submitter. Criteria: Ambry Variant Classification Scheme 2023. Collection method: clinical testing. Allele origin: germline.
Comment: The p.K130T variant (also known as c.389A>C), located in coding exon 4 of the RB1 gene, results from an A to C substitution at nucleotide position 389. The lysine at codon 130 is replaced by threonine, an amino acid with similar properties. This amino acid position is well conserved in available vertebrate species. In addition, this alteration is predicted to be tolerated by in silico analysis. Based on the available evidence, the clinical significance of this variant remains unclear.